The following is an entry in ClinVar:

NM_005458.8(GABBR2):c.2066G>A (p.Ser689Asn)

Gene: GABBR2 (gamma-aminobutyric acid type B receptor subunit 2; minus strand). Cytogenetic location: 9q22.33.
Variant type: single nucleotide variant.
Coding change: c.2066G>A on transcript NM_005458.8 (MANE Select); coding-DNA position 2066, G replaced by A.
Protein change: p.Ser689Asn; replaces serine 689 with asparagine.
Molecular consequence: missense variant.
Genome position (GRCh38, 1-based): chr9:98,306,284, C>T on the plus strand (G>A on the coding strand, the complement: GABBR2 is on the minus strand). VCF-style: chr9-98306284-C-T. GRCh37 (hg19) VCF-style: chr9-101068566-C-T.
Other names: short protein forms S689N.
Identifiers: ClinVar variation 3361133 (VCV003361133.1).

ClinVar aggregate classification (germline): Uncertain significance (1 of 4 stars; one submission).

Submission:

GeneDx
Classification: Uncertain significance. Last evaluated: 2023-07-15. Review status: criteria provided, single submitter. Criteria: GeneDx Variant Classification Process June 2021. Collection method: clinical testing. Allele origin: germline. Affected: yes.
Comment: Not observed at significant frequency in large population cohorts (gnomAD); In silico analysis supports that this missense variant has a deleterious effect on protein structure/function; Has not been previously published as pathogenic or benign to our knowledge